The following is an entry in ClinVar:

NM_000218.3(KCNQ1):c.1733-3T>C

Gene: KCNQ1 (potassium voltage-gated channel subfamily Q member 1; plus strand). Cytogenetic location: 11p15.5.
Variant type: single nucleotide variant.
Coding change: c.1733-3T>C on transcript NM_000218.3 (MANE Select); 3 bases into the intron before coding-DNA position 1733, T replaced by C.
Molecular consequence: intron variant.
Genome position (GRCh38, 1-based): chr11:2,777,973, T>C. VCF-style: chr11-2777973-T-C. GRCh37 (hg19) VCF-style: chr11-2799203-T-C.
Other names: c.1463-3T>C (NM_001406837.1); c.1637-3T>C (NM_001406836.1); c.1193-3T>C (NM_001406838.1); c.1352-3T>C (NM_181798.2); c.245-3T>C (NM_001406839.1).
Identifiers: ClinVar variation 516128 (VCV000516128.16), dbSNP rs372912362, ClinGen allele CA032470.

ClinVar aggregate classification (germline): Conflicting classifications of pathogenicity. Review status: criteria provided, conflicting classifications (1 of 4 stars). 4 submissions from 4 submitters: Uncertain significance (2); Likely benign (2). Last evaluated 2025-09-27.

Conditions:
Cardiac arrhythmia. Also called: Arrhythmia; Cardiac rhythm disease. Identifiers: MedGen C0003811, MONDO:0007263, HP:0011675.
Cardiovascular phenotype. Identifiers: MedGen CN230736.
Long QT syndrome (LQTS). Identifiers: MedGen C0023976, MeSH D008133, MONDO:0002442. Disease mechanism: loss of function. Inheritance: Various modes of inheritance.

Allele frequency attached by ClinVar (database versions not stated): gnomAD exomes 0.00001 and 0.00002; ExAC 0.00002; TOPMed 0.00003; gnomAD 0.00005 and 0.00006; ESP Exome Variant Server 0.00008.
gnomAD v4.1: 23 of 1,613,482 alleles (0.0014%); highest among the groups gnomAD compares: African/African-American, 0.027%; no homozygotes.

Submissions (4):

Labcorp Genetics (formerly Invitae), Labcorp
Classification: Uncertain significance for Long QT syndrome. Last evaluated: 2025-09-27. Review status: criteria provided, single submitter. Criteria: Invitae Variant Classification Sherloc (09022015). Collection method: clinical testing. Allele origin: germline.
Comment: This sequence change falls in intron 14 of the KCNQ1 gene. It does not directly change the encoded amino acid sequence of the KCNQ1 protein. It affects a nucleotide within the consensus splice site. This variant is present in population databases (rs372912362, gnomAD 0.03%). This variant has not been reported in the literature in individuals affected with KCNQ1-related conditions. ClinVar contains an entry for this variant (Variation ID: 516128). Variants that disrupt the consensus splice site are a relatively common cause of aberrant splicing (PMID: 17576681, 9536098). Algorithms developed to predict the effect of sequence changes on RNA splicing suggest that this variant is not likely to affect RNA splicing. In summary, the available evidence is currently insufficient to determine the role of this variant in disease. Therefore, it has been classified as a Variant of Uncertain Significance.

Ambry Genetics
Classification: Uncertain significance for Cardiovascular phenotype. Last evaluated: 2024-03-01. Review status: criteria provided, single submitter. Criteria: Ambry Variant Classification Scheme 2023. Collection method: clinical testing. Allele origin: germline.
Comment: The c.1733-3T>C intronic variant results from a T to C substitution 3 nucleotides upstream from coding exon 15 in the KCNQ1 gene. This nucleotide position is poorly conserved in available vertebrate species. In silico splice site analysis predicts that this alteration will not have any significant effect on splicing. Based on the available evidence, the clinical significance of this alteration remains unclear.

Color Diagnostics, LLC DBA Color Health
Classification: Likely benign for Arrhythmia. Last evaluated: 2019-04-28. Review status: criteria provided, single submitter. Criteria: ACMG Guidelines, 2015. Collection method: clinical testing. Allele origin: germline.

GeneDx
Classification: Likely benign. Last evaluated: 2019-04-24. Review status: criteria provided, single submitter. Criteria: GeneDx Variant Classification Process June 2021. Collection method: clinical testing. Allele origin: germline. Affected: yes.

Literature cited by the submitters: PubMed 17576681 (cited by Labcorp Genetics (formerly Invitae), Labcorp); PubMed 9536098 (cited by Labcorp Genetics (formerly Invitae), Labcorp).